The following is an entry in ClinVar:

ClinVar aggregate classification (germline): Uncertain significance. Review status: criteria provided, multiple submitters, no conflicts (2 of 4 stars). 3 submissions from 3 submitters: Uncertain significance (3). Last evaluated 2022-10-03.

Conditions:
Focal segmental glomerulosclerosis 8 (FSGS8). Identifiers: Orphanet 656, MedGen C4014993, MONDO:0014462, OMIM 616032.

Allele frequency attached by ClinVar (database versions not stated): gnomAD exomes 0.00002 and 0.00006; gnomAD 0.00004 and 0.00006; TOPMed 0.00005; ExAC 0.00007; ESP Exome Variant Server 0.00008; 1000 Genomes Project 30x 0.00016; 1000 Genomes Project 0.00020.
gnomAD v4.1: 41 of 1,613,172 alleles (0.0025%); highest among the groups gnomAD compares: South Asian, 0.014%; no homozygotes.

Submissions (3):

Labcorp Genetics (formerly Invitae), Labcorp
Classification: Uncertain significance. Last evaluated: 2022-10-03. Review status: criteria provided, single submitter. Criteria: Invitae Variant Classification Sherloc (09022015). Collection method: clinical testing. Allele origin: germline.
Comment: In summary, the available evidence is currently insufficient to determine the role of this variant in disease. Therefore, it has been classified as a Variant of Uncertain Significance. Advanced modeling of protein sequence and biophysical properties (such as structural, functional, and spatial information, amino acid conservation, physicochemical variation, residue mobility, and thermodynamic stability) performed at Invitae indicates that this missense variant is not expected to disrupt ANLN protein function. ClinVar contains an entry for this variant (Variation ID: 1524609). This variant has not been reported in the literature in individuals affected with ANLN-related conditions. This variant is present in population databases (rs368703385, gnomAD 0.02%). This sequence change replaces arginine, which is basic and polar, with histidine, which is basic and polar, at codon 376 of the ANLN protein (p.Arg376His).

Fulgent Genetics
Classification: Uncertain significance for Focal segmental glomerulosclerosis 8. Last evaluated: 2022-04-04. Review status: criteria provided, single submitter. Criteria: ACMG Guidelines, 2015. Collection method: clinical testing. Allele origin: unknown.

Ambry Genetics
Classification: Uncertain significance. Last evaluated: 2021-09-17. Review status: criteria provided, single submitter. Criteria: Ambry Variant Classification Scheme 2023. Collection method: clinical testing. Allele origin: germline.

NM_018685.5(ANLN):c.1127G>A (p.Arg376His)

Gene: ANLN (anillin, actin binding protein; plus strand). Cytogenetic location: 7p14.2.
Variant type: single nucleotide variant.
Coding change: c.1127G>A on transcript NM_018685.5 (MANE Select); coding-DNA position 1127, G replaced by A.
Protein change: p.Arg376His; replaces arginine 376 with histidine.
Molecular consequence: missense variant.
Genome position (GRCh38, 1-based): chr7:36,410,544, G>A. VCF-style: chr7-36410544-G-A. GRCh37 (hg19) VCF-style: chr7-36450153-G-A.
Other names: c.1127G>A (NM_018685.2); c.1127G>A, p.Arg376His (NM_001284301.3, NM_001284302.3); short protein forms R376H.
Identifiers: ClinVar variation 1524609 (VCV001524609.8), dbSNP rs368703385, ClinGen allele CA4219516.
Genomic context (GRCh38, chr7:36,410,544, plus strand): 5'-AGCCTCCAAAAATGTGTGTGTTTTCTGTAGGAGGAACAGGAATTAAGCCTTTCCTGGAAC[G>A]CTTTGGAGAGCGTTGTCAAGAACATAGCAAAGAAAGTCCAGCTCGTAGCACACCCCACAG-3'
Protein context (NP_061155.2, residues 366-386): GGTGIKPFLE[Arg376His]FGERCQEHSK